The following is an entry in ClinVar:

NM_145868.2(ANXA11):c.265G>A (p.Gly89Ser)

Genes: ANXA11 (annexin A11; minus strand), LOC130004184 (ATAC-STARR-seq lymphoblastoid silent region 2543; plus strand). Cytogenetic location: 10q22.3.
Variant type: single nucleotide variant.
Coding change: c.265G>A on transcript NM_145868.2 (MANE Select); coding-DNA position 265, G replaced by A.
Protein change: p.Gly89Ser; replaces glycine 89 with serine.
Molecular consequence: missense variant.
Genome position (GRCh38, 1-based): chr10:80,169,265, C>T on the plus strand (G>A on the coding strand, the complement: ANXA11 is on the minus strand). VCF-style: chr10-80169265-C-T. GRCh37 (hg19) VCF-style: chr10-81929021-C-T.
Other names: c.265G>A, p.Gly89Ser (NM_001157.3, NM_001278407.2, NM_001278408.2 and 1 more transcripts); c.166G>A, p.Gly56Ser (NM_001278409.2); c.265G>A (NM_145869.1); short protein forms G56S, G89S.
Identifiers: ClinVar variation 1587138 (VCV001587138.10), dbSNP rs201713183, ClinGen allele CA5576324.
Genomic context (GRCh38, chr10:80,169,265, plus strand): 5'-GGGGTGGATACATCCCATAGGGAGGAACAGGCTGCTGGGCAGAGGGGGGCTGCCCAAAGC[C>T]GCCAGGGGGCACTGGTGGGTAGCCAGCCCCAGGGGCCCCAGGGTACAGGTTGGGCATGTT-3'
Protein context (NP_665875.1, residues 79-99): GAGYPPVPPG[Gly89Ser]FGQPPSAQQP

ClinVar aggregate classification (germline): Benign. Review status: criteria provided, single submitter (1 of 4 stars). 2 submissions from 2 submitters: Benign (1). 1 of the submissions does not count toward it. Last evaluated 2025-08-18.

Conditions:
ANXA11-related disorder. Also called: ANXA11-related condition.

Allele frequency attached by ClinVar (database versions not stated): gnomAD exomes 0.00006 and 0.00028; gnomAD 0.00009 and 0.00011; TOPMed 0.00012; ExAC 0.00018; 1000 Genomes Project 0.00060; 1000 Genomes Project 30x 0.00078.
gnomAD v4.1: 105 of 1,611,754 alleles (0.0065%); highest among the groups gnomAD compares: East Asian, 0.18%; 1 homozygote.

Submissions (2):

Labcorp Genetics (formerly Invitae), Labcorp
Classification: Benign. Last evaluated: 2025-08-18. Review status: criteria provided, single submitter. Criteria: Invitae Variant Classification Sherloc (09022015). Collection method: clinical testing. Allele origin: germline.

PreventionGenetics, part of Exact Sciences
Classification: Likely benign for ANXA11-related condition. Last evaluated: 2023-03-10. Review status: no assertion criteria provided. Collection method: clinical testing. Allele origin: germline. Not counted in ClinVar's aggregate classification.
Comment: This variant is classified as likely benign based on ACMG/AMP sequence variant interpretation guidelines (Richards et al. 2015 PMID: 25741868, with internal and published modifications).